The following is an entry in ClinVar:

ClinVar aggregate classification (germline): Uncertain significance (1 of 4 stars; one submission).

Submission:

Labcorp Genetics (formerly Invitae), Labcorp
Classification: Uncertain significance. Last evaluated: 2022-07-18. Review status: criteria provided, single submitter. Criteria: Invitae Variant Classification Sherloc (09022015). Collection method: clinical testing. Allele origin: germline.
Comment: This variant is not present in population databases (gnomAD no frequency). In summary, the available evidence is currently insufficient to determine the role of this variant in disease. Therefore, it has been classified as a Variant of Uncertain Significance. Algorithms developed to predict the effect of missense changes on protein structure and function output the following: SIFT: "Tolerated"; PolyPhen-2: "Not Available"; Align-GVGD: "Class C0". The proline amino acid residue is found in multiple mammalian species, which suggests that this missense change does not adversely affect protein function. ClinVar contains an entry for this variant (Variation ID: 1378138). This variant has not been reported in the literature in individuals affected with SULT2B1-related conditions. This sequence change replaces leucine, which is neutral and non-polar, with proline, which is neutral and non-polar, at codon 333 of the SULT2B1 protein (p.Leu333Pro).

NM_177973.2(SULT2B1):c.998T>C (p.Leu333Pro)

Gene: SULT2B1 (sulfotransferase family 2B member 1; plus strand). Cytogenetic location: 19q13.33.
Variant type: single nucleotide variant.
Coding change: c.998T>C on transcript NM_177973.2 (MANE Select); coding-DNA position 998, T replaced by C.
Protein change: p.Leu333Pro; replaces leucine 333 with proline.
Molecular consequence: missense variant.
Genome position (GRCh38, 1-based): chr19:48,599,306, T>C. VCF-style: chr19-48599306-T-C. GRCh37 (hg19) VCF-style: chr19-49102563-T-C.
Other names: c.953T>C, p.Leu318Pro (NM_004605.2); short protein forms L318P, L333P.
Identifiers: ClinVar variation 1378138 (VCV001378138.6), dbSNP rs1973767470, ClinGen allele CA406715302.
Genomic context (GRCh38, chr19:48,599,306, plus strand): 5'-CGGAGGAGGACGGCAGCCCAGATCCTGAGCCCAGCCCTGAGCCTGAGCCCAAGCCCAGCC[T>C]TGAGCCCAACACCAGCCTGGAGCGTGAGCCCAGACCCAACTCCAGCCCCAGCCCCAGCCC-3'
Protein context (NP_814444.1, residues 323-343): PSPEPEPKPS[Leu333Pro]EPNTSLEREP